The following is an entry in ClinVar:

ClinVar aggregate classification (germline): Uncertain significance (1 of 4 stars; one submission).

Conditions:
Cystic fibrosis (CF). Also called: MUCOVISCIDOSIS. Identifiers: Orphanet 586, MedGen C0010674, MONDO:0009061, OMIM 219700. Disease mechanism: loss of function.

Submission:

Ambry Genetics
Classification: Uncertain significance for Cystic fibrosis. Last evaluated: 2024-05-26. Review status: criteria provided, single submitter. Criteria: Ambry Variant Classification Scheme 2023. Collection method: clinical testing. Allele origin: germline.
Comment: The p.S623R variant (also known as c.1869C>A), located in coding exon 14 of the CFTR gene, results from a C to A substitution at nucleotide position 1869. The serine at codon 623 is replaced by arginine, an amino acid with dissimilar properties. This amino acid position is conserved. In addition, the in silico prediction for this alteration is inconclusive. Based on the available evidence, the clinical significance of this variant remains unclear.

NM_000492.4(CFTR):c.1869C>A (p.Ser623Arg)

Gene: CFTR (CF transmembrane conductance regulator; plus strand). Cytogenetic location: 7q31.2.
Variant type: single nucleotide variant.
Coding change: c.1869C>A on transcript NM_000492.4 (MANE Select); coding-DNA position 1869, C replaced by A.
Protein change: p.Ser623Arg; replaces serine 623 with arginine.
Molecular consequence: missense variant.
Genome position (GRCh38, 1-based): chr7:117,592,036, C>A. VCF-style: chr7-117592036-C-A. GRCh37 (hg19) VCF-style: chr7-117232090-C-A.
Other names: short protein forms S623R.
Identifiers: ClinVar variation 3266635 (VCV003266635.1).